The following is an entry in ClinVar:

ClinVar aggregate classification (germline): Likely pathogenic (1 of 4 stars; one submission).

Submission:

GeneDx
Classification: Likely pathogenic. Last evaluated: 2012-10-24. Review status: criteria provided, single submitter. Criteria: GeneDx Variant Classification (06012015). Collection method: clinical testing. Allele origin: germline. Affected: yes.
Comment: The specific deletion of c.499_501delTTC in the KCNQ1 gene, resulting in a deletion of a Phenylalanine residue at position 167 in the KCNQ1 protein, has not been reported previously. However, a different nucleotide change resulting in a deletion of this same Phenylalanine residue at position 167 (c.500_502delTCG) has been published in an individual with LQTS (Wang Q et al., 1996). In addition, missense variants in nearby residues (Glu160Lys, Glu160Val, Val162Met, Gly168Arg, Thr169Arg) have been reported in association with LQTS, further supporting the functional importance of this region of the protein. Furthermore, the NHLBI ESP Exome Variant Server reports c.499_501delTTC was not observed in approximately 6000 samples from individuals of European and African American backgrounds, indicating it is not a common benign variant in these populations. In summary, c.499_501delTTC in the KCNQ1 gene is interpreted as a pathogenic variant.

NM_000218.3(KCNQ1):c.496TTC[1] (p.Phe167del)

Gene: KCNQ1 (potassium voltage-gated channel subfamily Q member 1; plus strand). Cytogenetic location: 11p15.5.
Variant type: Microsatellite.
Coding change: c.496TTC[1] on transcript NM_000218.3 (MANE Select); one copy of the 3-base unit TTC starting at c.496; the reference has two copies in a row; one copy, 3 bases deleted.
Protein change: p.Phe167del; deletes phenylalanine 167.
Molecular consequence: inframe deletion. On other transcripts: inframe indel (4).
Genome position (GRCh38, 1-based): chr11:2,570,649-2,570,651, TTC deleted; deleting any 3 consecutive bases within chr11:2,570,646-2,570,651 gives the same sequence; the position shown is the placement nearest the transcript's 3' end. VCF-style (leftmost placement, unchanged base first): chr11-2570645-GTTC-G. GRCh37 (hg19) VCF-style: chr11-2591875-GTTC-G.
Other names: c.499_501delTTC (NM_000218.2); c.496_498TTC[1], p.Phe167del (NM_001406836.1); c.226_228TTC[1], p.Phe77del (NM_001406837.1); c.115_117TTC[1], p.Phe40del (NM_181798.2); short protein forms F167del, F40del, F77del.
Identifiers: ClinVar variation 200881 (VCV000200881.4), dbSNP rs794728555, ClinGen allele CA007239.